The following is an entry in ClinVar:

NM_016816.4(OAS1):c.226G>A (p.Ala76Thr)

Gene: OAS1 (2'-5'-oligoadenylate synthetase 1; plus strand). Cytogenetic location: 12q24.13.
Variant type: single nucleotide variant.
Coding change: c.226G>A on transcript NM_016816.4 (MANE Select); coding-DNA position 226, G replaced by A.
Protein change: p.Ala76Thr; replaces alanine 76 with threonine.
Molecular consequence: missense variant.
Genome position (GRCh38, 1-based): chr12:112,908,581, G>A. VCF-style: chr12-112908581-G-A. GRCh37 (hg19) VCF-style: chr12-113346386-G-A.
Other names: c.226G>A, p.Ala76Thr (NM_001032409.3, NM_001320151.2, NM_002534.4); short protein forms A76T.
Identifiers: ClinVar variation 1390236 (VCV001390236.6), dbSNP rs760842865, ClinGen allele CA243746545.

ClinVar aggregate classification (germline): Uncertain significance (1 of 4 stars; one submission).

Allele frequency attached by ClinVar (database versions not stated): TOPMed below 0.00001; gnomAD exomes below 0.00001.

Submission:

Labcorp Genetics (formerly Invitae), Labcorp
Classification: Uncertain significance. Last evaluated: 2025-10-23. Review status: criteria provided, single submitter. Criteria: Invitae Variant Classification Sherloc (09022015). Collection method: clinical testing. Allele origin: germline.
Comment: This sequence change replaces alanine, which is neutral and non-polar, with threonine, which is neutral and polar, at codon 76 of the OAS1 protein (p.Ala76Thr). This variant is present in population databases (rs760842865, gnomAD 0.003%). This variant has not been reported in the literature in individuals affected with OAS1-related conditions. ClinVar contains an entry for this variant (Variation ID: 1390236). An algorithm developed to predict the effect of missense changes on protein structure and function (PolyPhen-2) suggests that this variant is likely to be disruptive. This variant disrupts the p.Ala76 amino acid residue in OAS1. Other variant(s) that disrupt this residue have been determined to be pathogenic (PMID: 29455859). This suggests that this residue is clinically significant, and that variants that disrupt this residue are likely to be disease-causing. In summary, the available evidence is currently insufficient to determine the role of this variant in disease. Therefore, it has been classified as a Variant of Uncertain Significance.

Literature cited by the submitters: PubMed 29455859.